The following is an entry in ClinVar:

NM_007294.4(BRCA1):c.3352C>T (p.Gln1118Ter)

Genes: BRCA1 (BRCA1 DNA repair associated; minus strand), LOC126862571 (BRD4-independent group 4 enhancer GRCh37_chr17:41243136-41244335; plus strand). Cytogenetic location: 17q21.31.
Variant type: single nucleotide variant.
Coding change: c.3352C>T on transcript NM_007294.4 (MANE Select); coding-DNA position 3352, C replaced by T.
Protein change: p.Gln1118Ter; replaces glutamine 1118 with a stop codon.
Molecular consequence: nonsense. On other transcripts: intron variant (137).
Genome position (GRCh38, 1-based): chr17:43,092,179, G>A on the plus strand (C>T on the coding strand, the complement: BRCA1 is on the minus strand). VCF-style: chr17-43092179-G-A. GRCh37 (hg19) VCF-style: chr17-41244196-G-A.
Other names: 3471C>T; c.3139C>T, p.Gln1047Ter (NM_001407571.1, NM_001407853.1, NM_001407894.1 and 9 more transcripts); c.3352C>T, p.Gln1118Ter (NM_001407581.1, NM_001407582.1, NM_001407583.1 and 30 more transcripts); c.3349C>T, p.Gln1117Ter (NM_001407587.1, NM_001407590.1, NM_001407591.1 and 22 more transcripts); c.3343C>T, p.Gln1115Ter (NM_001407646.1, NM_001407647.1); c.3229C>T, p.Gln1077Ter (NM_001407648.1, NM_001407664.1, NM_001407665.1 and 19 more transcripts); c.3226C>T, p.Gln1076Ter (NM_001407649.1, NM_001407670.1, NM_001407671.1 and 11 more transcripts); c.3274C>T, p.Gln1092Ter (NM_001407653.1, NM_001407654.1, NM_001407655.1 and 4 more transcripts); and 42 more; short protein forms Q1118*, Q1071*, Q1029*, Q1047*, Q1050*, Q1076*, Q1115*, Q1117*.
Identifiers: ClinVar variation 37524 (VCV000037524.22), dbSNP rs397507215, ClinGen allele CA002172.

ClinVar aggregate classification (germline): Pathogenic. Review status: reviewed by expert panel (3 of 4 stars). 9 submissions from 9 submitters: Pathogenic (1). 8 of the submissions do not count toward it. Last evaluated 2016-09-08.

Conditions:
Hereditary cancer-predisposing syndrome. Also called: Tumor predisposition; Neoplastic Syndromes, Hereditary; Hereditary Cancer Syndrome; Hereditary neoplastic syndrome. Identifiers: Orphanet 140162, MedGen C0027672, MeSH D009386, MONDO:0015356.
Ovarian neoplasm. Also called: Ovarian tumor; Neoplasm of ovary; Ovarian Neoplasms. Identifiers: MedGen C0919267, MeSH D010051, MONDO:0021068, HP:0100615.
Hereditary breast ovarian cancer syndrome. Also called: Hereditary breast and ovarian cancer syndrome (HBOC); Hereditary breast and ovarian cancer syndrome; Hereditary breast and ovarian cancer; Hereditary breast and/or ovarian cancer syndrome; Breast and ovarian cancer; BRCA1- and BRCA2-Associated Hereditary Breast and Ovarian Cancer. Identifiers: Orphanet 145, MedGen C0677776, MeSH D061325, MONDO:0003582. Disease mechanism: loss of function.
Breast-ovarian cancer, familial, susceptibility to, 1 (BROVCA1). Also called: OVARIAN CANCER, SUSCEPTIBILITY TO; BRCA1 Hereditary Breast and Ovarian Cancer. Identifiers: Orphanet 145, MedGen C2676676, MONDO:0011450, OMIM 604370. Disease mechanism: loss of function.

Submissions (9):

Evidence-based Network for the Interpretation of Germline Mutant Alleles (ENIGMA)
Classification: Pathogenic for Breast-ovarian cancer, familial, susceptibility to, 1. Last evaluated: 2016-09-08. Review status: reviewed by expert panel. Criteria: ENIGMA BRCA1/2 Classification Criteria (2015). Collection method: curation. Allele origin: germline.
Comment: Variant allele predicted to encode a truncated non-functional protein.

Labcorp Genetics (formerly Invitae), Labcorp
Classification: Pathogenic for Hereditary breast ovarian cancer syndrome. Last evaluated: 2026-01-28. Review status: criteria provided, single submitter. Criteria: Invitae Variant Classification Sherloc (09022015). Collection method: clinical testing. Allele origin: germline. Not counted in ClinVar's aggregate classification.
Comment: This sequence change creates a premature translational stop signal (p.Gln1118*) in the BRCA1 gene. It is expected to result in an absent or disrupted protein product. Loss-of-function variants in BRCA1 are known to be pathogenic (PMID: 20104584). This variant is not present in population databases (gnomAD no frequency). This premature translational stop signal has been observed in individual(s) with breast and/or ovarian cancer (PMID: 29446198, 30702160). ClinVar contains an entry for this variant (Variation ID: 37524). For these reasons, this variant has been classified as Pathogenic.

Ambry Genetics
Classification: Pathogenic for Hereditary cancer-predisposing syndrome. Last evaluated: 2025-01-21. Review status: criteria provided, single submitter. Criteria: Ambry Variant Classification Scheme 2023. Collection method: clinical testing. Allele origin: germline. Not counted in ClinVar's aggregate classification.
Comment: The p.Q1118* pathogenic mutation (also known as c.3352C>T), located in coding exon 9 of the BRCA1 gene, results from a C to T substitution at nucleotide position 3352. This changes the amino acid from a glutamine to a stop codon within coding exon 9. This alteration has been reported in one French HBOC family (Lecarpentier J, Breast Cancer Res. 2012 ; 14(4):R99). This variant is considered to be rare based on population cohorts in the Genome Aggregation Database (gnomAD). In addition to the clinical data presented in the literature, this alteration is expected to result in loss of function by premature protein truncation or nonsense-mediated mRNA decay. As such, this alteration is interpreted as a disease-causing mutation.

Baylor Genetics
Classification: Pathogenic for Breast-ovarian cancer, familial, susceptibility to, 1. Last evaluated: 2023-11-21. Review status: criteria provided, single submitter. Criteria: ACMG Guidelines, 2015. Collection method: clinical testing. Allele origin: unknown. Not counted in ClinVar's aggregate classification.

Women's Health and Genetics/Laboratory Corporation of America, LabCorp
Classification: Pathogenic for Hereditary breast ovarian cancer syndrome. Last evaluated: 2021-01-07. Review status: criteria provided, single submitter. Criteria: LabCorp Variant Classification Summary - May 2015. Collection method: clinical testing. Allele origin: germline. Not counted in ClinVar's aggregate classification.
Comment: Variant summary: BRCA1 c.3352C>T (p.Gln1118X) results in a premature termination codon, predicted to cause a truncation of the encoded protein or absence of the protein due to nonsense mediated decay, which are commonly known mechanisms for disease. Truncations downstream of this position have been classified as pathogenic by our laboratory. The variant was absent in 255376 control chromosomes (gnomAD and publication data). c.3352C>T has been reported in the literature in multiple individuals affected with Hereditary Breast And Ovarian Cancer Syndrome (Rebbeck_2018, Singh_2018, Bhaskaran_2019). These data indicate that the variant is very likely to be associated with disease. To our knowledge, no experimental evidence demonstrating an impact on protein function has been reported. Two ClinVar submitters and one expert panel (ENIGMA) (evaluation after 2014) cite the variant as pathogenic. Based on the evidence outlined above, the variant was classified as pathogenic.

GeneDx
Classification: Pathogenic. Last evaluated: 2017-10-03. Review status: criteria provided, single submitter. Criteria: GeneDx Variant Classification (06012015). Collection method: clinical testing. Allele origin: germline. Affected: yes. Not counted in ClinVar's aggregate classification.
Comment: This pathogenic variant is denoted BRCA1 c.3352C>T at the cDNA level and p.Gln1118Ter (Q1118X) atthe protein level. Using alternate nomenclature, this variant would be defined as BRCA1 3471C>T. The substitutioncreates a nonsense variant, which changes a Glutamine to a premature stop codon (CAG>TAG), and is predicted tocause loss of normal protein function through either protein truncation or nonsense-mediated mRNA decay. Thisvariant has been reported in families with breast and/or ovarian cancer (Lecarpentier 2012, Mannan 2016) and isconsidered pathogenic.

Consortium of Investigators of Modifiers of BRCA1/2 (CIMBA), c/o University of Cambridge
Classification: Pathogenic for Breast-ovarian cancer, familial, susceptibility to, 1. Last evaluated: 2015-10-02. Review status: criteria provided, single submitter. Criteria: CIMBA Mutation Classification guidelines May 2016. Collection method: clinical testing. Allele origin: germline. Not counted in ClinVar's aggregate classification.

German Consortium for Hereditary Breast and Ovarian Cancer, University Hospital Cologne
Classification: Pathogenic for Ovarian neoplasm. Last evaluated: 2018-12-01. Review status: no assertion criteria provided. Collection method: research. Allele origin: somatic. Affected: yes. Not counted in ClinVar's aggregate classification.

Sharing Clinical Reports Project (SCRP)
Classification: Pathogenic for Breast-ovarian cancer, familial 1. Last evaluated: 2013-04-08. Review status: no assertion criteria provided. Collection method: clinical testing. Allele origin: germline. Not counted in ClinVar's aggregate classification.

Literature cited by the submitters: PubMed 20104584 (cited by Labcorp Genetics (formerly Invitae), Labcorp); PubMed 29446198 (cited by Labcorp Genetics (formerly Invitae), Labcorp and Women's Health and Genetics/Laboratory Corporation of America, LabCorp); PubMed 30702160 (cited by Labcorp Genetics (formerly Invitae), Labcorp and Women's Health and Genetics/Laboratory Corporation of America, LabCorp); PubMed 22762150 (cited by Ambry Genetics); PubMed 29470806 (cited by Women's Health and Genetics/Laboratory Corporation of America, LabCorp).